The following is an entry in ClinVar:

NM_001032386.2(SUOX):c.739C>A (p.Leu247Met)

Gene: SUOX (sulfite oxidase; plus strand). Cytogenetic location: 12q13.2.
Variant type: single nucleotide variant.
Coding change: c.739C>A on transcript NM_001032386.2 (MANE Select); coding-DNA position 739, C replaced by A.
Protein change: p.Leu247Met; replaces leucine 247 with methionine.
Molecular consequence: missense variant.
Genome position (GRCh38, 1-based): chr12:56,004,128, C>A. VCF-style: chr12-56004128-C-A. GRCh37 (hg19) VCF-style: chr12-56397912-C-A.
Other names: c.739C>A, p.Leu247Met (NM_000456.3, NM_001032387.2); short protein forms L247M.
Identifiers: ClinVar variation 618403 (VCV000618403.18), dbSNP rs765859233, ClinGen allele CA6621034.
Genomic context (GRCh38, chr12:56,004,128, plus strand): 5'-CCAGACACCTATCGCTTACACGTAGTAGGAGCACCTGGGGGTCAGTCACTGTCTCTTTCC[C>A]TGGATGACTTGCACAACTTTCCCAGGTACGAGATCACAGTCACTCTGCAGTGTGCCGGCA-3'
Protein context (NP_001027558.1, residues 237-257): APGGQSLSLS[Leu247Met]DDLHNFPRYE

ClinVar aggregate classification (germline): Conflicting classifications of pathogenicity. Review status: criteria provided, conflicting classifications (1 of 4 stars). 3 submissions from 3 submitters: Uncertain significance (2); Likely benign (1). Last evaluated 2025-09-27.

Conditions:
Sulfite oxidase deficiency. Also called: Isolated sulfite oxidase deficiency. Identifiers: Orphanet 833, Orphanet 99731, MedGen C0268624, MONDO:0010089, OMIM 272300, HP:0003643.

Allele frequency attached by ClinVar (database versions not stated): gnomAD exomes 0.00002 and 0.00003; gnomAD 0.00003; ExAC 0.00004; TOPMed 0.00005.
gnomAD v4.1: 37 of 1,614,104 alleles (0.0023%); highest among the groups gnomAD compares: Middle Eastern, 0.033%; no homozygotes.

Submissions (3):

Labcorp Genetics (formerly Invitae), Labcorp
Classification: Likely benign for Sulfite oxidase deficiency. Last evaluated: 2025-09-27. Review status: criteria provided, single submitter. Criteria: Invitae Variant Classification Sherloc (09022015). Collection method: clinical testing. Allele origin: germline.

Blueprint Genetics
Classification: Uncertain significance. Last evaluated: 2024-06-12. Review status: criteria provided, single submitter. Criteria: ACMG Guidelines, 2015. Collection method: clinical testing. Allele origin: germline.

ARUP Laboratories, Molecular Genetics and Genomics, ARUP Laboratories
Classification: Uncertain significance. Last evaluated: 2017-09-16. Review status: criteria provided, single submitter. Criteria: ARUP Molecular Germline Variant Investigation Process. Collection method: clinical testing. Allele origin: germline.
Comment: The p.Leu247Met variant (rs765859233) has not been reported in the medical literature, is not listed in gene-specific variant databases, nor has it been previously identified in our laboratory. It is listed in the Genome Aggregation Database (gnomAD) browser with a frequency in non-Finnish European populations of 0.007% (identified in 9 out of 126,716 chromosomes). The leucine at codon 247 is highly conserved considering 12 species up to Fruitfly (Alamut software v2.9), and computational analyses suggest this variant has a significant effect on SUOX protein structure/function (SIFT: damaging, PolyPhen2: possibly damaging, and Mutation Taster: disease causing). However, based on the available information, the clinical significance of the p.Leu247Met variant cannot be determined with certainty.